The following is an entry in ClinVar:

NM_000051.4(ATM):c.4776+9A>T

Gene: ATM (ATM serine/threonine kinase; plus strand). Cytogenetic location: 11q22.3.
Variant type: single nucleotide variant.
Coding change: c.4776+9A>T on transcript NM_000051.4 (MANE Select); 9 bases into the intron after coding-DNA position 4776, A replaced by T.
Molecular consequence: intron variant.
Genome position (GRCh38, 1-based): chr11:108,293,486, A>T. VCF-style: chr11-108293486-A-T. GRCh37 (hg19) VCF-style: chr11-108164213-A-T.
Other names: c.4776+9A>T (NM_001351834.2).
Identifiers: ClinVar variation 3254222 (VCV003254222.1), dbSNP rs2135814376.
Genomic context (GRCh38, chr11:108,293,486, plus strand): 5'-TATTACTCAGCAAAAAATCAAATACAGTAGAGGACCCTTTTCACTCTTGGAGGTAATAAA[A>T]ATTTCATCATCTACTATTTTTTATTAGAGAACATAGTAGTACTTTTCAAAAATCTGTAAT-3'

ClinVar aggregate classification (germline): Likely benign (1 of 4 stars; one submission).

Conditions:
Familial cancer of breast. Also called: BREAST CANCER, FAMILIAL; Hereditary breast cancer; hereditary breast carcinoma. Identifiers: Orphanet 227535, MedGen C0346153, MONDO:0016419, OMIM 114480. Disease mechanism: loss of function.

Submission:

Myriad Genetics, Inc.
Classification: Likely benign for Familial cancer of breast. Last evaluated: 2024-05-21. Review status: criteria provided, single submitter. Criteria: Myriad Autosomal Dominant, Autosomal Recessive and X-Linked Classification Criteria (2023). Collection method: clinical testing. Allele origin: unknown.
Comment: This variant is considered likely benign. This variant is intronic and is not expected to impact mRNA splicing.